The following is an entry in ClinVar:

NM_018062.4(FANCL):c.167G>C (p.Ser56Thr)

Gene: FANCL (FA complementation group L; minus strand). Cytogenetic location: 2p16.1.
Variant type: single nucleotide variant.
Coding change: c.167G>C on transcript NM_018062.4 (MANE Select); coding-DNA position 167, G replaced by C.
Protein change: p.Ser56Thr; replaces serine 56 with threonine.
Molecular consequence: missense variant.
Genome position (GRCh38, 1-based): chr2:58,229,863, C>G on the plus strand (G>C on the coding strand, the complement: FANCL is on the minus strand). VCF-style: chr2-58229863-C-G. GRCh37 (hg19) VCF-style: chr2-58456998-C-G.
Other names: c.167G>C, p.Ser56Thr (NM_001114636.2, NM_001374615.1, NM_001410792.1); short protein forms S56T.
Identifiers: ClinVar variation 1444258 (VCV001444258.5), dbSNP rs778972805, ClinGen allele CA1670763.

ClinVar aggregate classification (germline): Uncertain significance (1 of 4 stars; one submission).

Conditions:
Fanconi anemia (FA). Also called: Fanconi's anemia. Identifiers: Orphanet 84, MedGen C0015625, MeSH D005199, MONDO:0019391.

Allele frequency attached by ClinVar (database versions not stated): gnomAD exomes below 0.00001; TOPMed below 0.00001.
gnomAD v4.1: 2 of 1,609,612 alleles (0.00012%); highest among the groups gnomAD compares: Admixed American, 0.0017%; no homozygotes.

Submission:

Labcorp Genetics (formerly Invitae), Labcorp
Classification: Uncertain significance for Fanconi anemia. Last evaluated: 2022-10-24. Review status: criteria provided, single submitter. Criteria: Invitae Variant Classification Sherloc (09022015). Collection method: clinical testing. Allele origin: germline.
Comment: This sequence change replaces serine, which is neutral and polar, with threonine, which is neutral and polar, at codon 56 of the FANCL protein (p.Ser56Thr). This variant is present in population databases (rs778972805, gnomAD 0.003%). This variant has not been reported in the literature in individuals affected with FANCL-related conditions. ClinVar contains an entry for this variant (Variation ID: 1444258). Advanced modeling of protein sequence and biophysical properties (such as structural, functional, and spatial information, amino acid conservation, physicochemical variation, residue mobility, and thermodynamic stability) performed at Invitae indicates that this missense variant is not expected to disrupt FANCL protein function. In summary, the available evidence is currently insufficient to determine the role of this variant in disease. Therefore, it has been classified as a Variant of Uncertain Significance.